The following is an entry in ClinVar:

ClinVar aggregate classification (germline): Uncertain significance (1 of 4 stars; one submission).

Conditions:
Tumor predisposition syndrome 3 (TPDS3). Also called: Melanoma, cutaneous malignant, susceptibility to, 10; Glioma susceptibility 9; LONG TELOMERE SYNDROME, POT1-RELATED; POT1 Tumor Predisposition. Identifiers: Orphanet 618, MedGen C4014476, MONDO:0014368, OMIM 615848.

Submission:

Labcorp Genetics (formerly Invitae), Labcorp
Classification: Uncertain significance for Tumor predisposition syndrome 3. Last evaluated: 2025-04-02. Review status: criteria provided, single submitter. Criteria: Invitae Variant Classification Sherloc (09022015). Collection method: clinical testing. Allele origin: germline.
Comment: This sequence change replaces alanine, which is neutral and non-polar, with glycine, which is neutral and non-polar, at codon 295 of the POT1 protein (p.Ala295Gly). This variant is not present in population databases (gnomAD no frequency). This variant has not been reported in the literature in individuals affected with POT1-related conditions. Invitae Evidence Modeling of protein sequence and biophysical properties (such as structural, functional, and spatial information, amino acid conservation, physicochemical variation, residue mobility, and thermodynamic stability) indicates that this missense variant is not expected to disrupt POT1 protein function with a negative predictive value of 80%. In summary, the available evidence is currently insufficient to determine the role of this variant in disease. Therefore, it has been classified as a Variant of Uncertain Significance.

NM_015450.3(POT1):c.884C>G (p.Ala295Gly)

Gene: POT1 (protection of telomeres 1; minus strand). Cytogenetic location: 7q31.33.
Variant type: single nucleotide variant.
Coding change: c.884C>G on transcript NM_015450.3 (MANE Select); coding-DNA position 884, C replaced by G.
Protein change: p.Ala295Gly; replaces alanine 295 with glycine.
Molecular consequence: missense variant. On other transcripts: non-coding transcript variant (3).
Genome position (GRCh38, 1-based): chr7:124,851,937, G>C on the plus strand (C>G on the coding strand, the complement: POT1 is on the minus strand). VCF-style: chr7-124851937-G-C. GRCh37 (hg19) VCF-style: chr7-124491991-G-C.
Other names: c.491C>G, p.Ala164Gly (NM_001042594.2); short protein forms A295G, A164G.
Identifiers: ClinVar variation 4700609 (VCV004700609.1).